The following is an entry in ClinVar:

ClinVar aggregate classification (germline): Conflicting classifications of pathogenicity. Review status: criteria provided, conflicting classifications (1 of 4 stars). 3 submissions from 3 submitters: Uncertain significance (2); Likely benign (1). Last evaluated 2025-10-01.

Conditions:
Inborn genetic diseases. Identifiers: MedGen C0950123, MeSH D030342.

Allele frequency attached by ClinVar (database versions not stated): TOPMed 0.00002; gnomAD 0.00006 and 0.00007; ESP Exome Variant Server 0.00008; gnomAD exomes 0.00013 and 0.00031; ExAC 0.00030.
gnomAD v4.1: 214 of 1,613,718 alleles (0.013%); highest among the groups gnomAD compares: South Asian, 0.063%; 2 homozygotes.

Submissions (3):

Ambry Genetics
Classification: Uncertain significance for Inborn genetic diseases. Last evaluated: 2025-10-01. Review status: criteria provided, single submitter. Criteria: Ambry Variant Classification Scheme 2023. Collection method: clinical testing. Allele origin: germline.

Blueprint Genetics
Classification: Likely benign. Last evaluated: 2024-08-13. Review status: criteria provided, single submitter. Criteria: ACMG Guidelines, 2015. Collection method: clinical testing. Allele origin: germline.

Labcorp Genetics (formerly Invitae), Labcorp
Classification: Uncertain significance. Last evaluated: 2023-12-07. Review status: criteria provided, single submitter. Criteria: Invitae Variant Classification Sherloc (09022015). Collection method: clinical testing. Allele origin: germline.
Comment: This sequence change replaces arginine, which is basic and polar, with cysteine, which is neutral and slightly polar, at codon 512 of the RGS9 protein (p.Arg512Cys). This variant is present in population databases (rs202213863, gnomAD 0.09%). This variant has not been reported in the literature in individuals affected with RGS9-related conditions. ClinVar contains an entry for this variant (Variation ID: 1014507). Advanced modeling of protein sequence and biophysical properties (such as structural, functional, and spatial information, amino acid conservation, physicochemical variation, residue mobility, and thermodynamic stability) performed at Invitae indicates that this missense variant is not expected to disrupt RGS9 protein function with a negative predictive value of 80%. In summary, the available evidence is currently insufficient to determine the role of this variant in disease. Therefore, it has been classified as a Variant of Uncertain Significance.

NM_003835.4(RGS9):c.1534C>T (p.Arg512Cys)

Gene: RGS9 (regulator of G protein signaling 9; plus strand). Cytogenetic location: 17q24.1.
Variant type: single nucleotide variant.
Coding change: c.1534C>T on transcript NM_003835.4 (MANE Select); coding-DNA position 1534, C replaced by T.
Protein change: p.Arg512Cys; replaces arginine 512 with cysteine.
Molecular consequence: missense variant.
Genome position (GRCh38, 1-based): chr17:65,225,128, C>T. VCF-style: chr17-65225128-C-T. GRCh37 (hg19) VCF-style: chr17-63221246-C-T.
Other names: c.1534C>T (NM_003835.3); c.1525C>T, p.Arg509Cys (NM_001081955.3); short protein forms R509C, R512C.
Identifiers: ClinVar variation 1014507 (VCV001014507.6), dbSNP rs202213863, ClinGen allele CA8718087.
Genomic context (GRCh38, chr17:65,225,128, plus strand): 5'-CCTTCTAGCCCCTTCTCCTCCTCCTGCCGCTCCCCCAGGAAGCCTTTCGCCTCACCCAGC[C>T]GCTTCATCCGGCGACCCAGCACCACCATCTGCCCCTCACCCATCAGAGTGGCCTTGGAGA-3'
Protein context (NP_003826.2, residues 502-522): SPRKPFASPS[Arg512Cys]FIRRPSTTIC